The following is an entry in ClinVar:

ClinVar aggregate classification (germline): Uncertain significance (1 of 4 stars; one submission).

Allele frequency attached by ClinVar (database versions not stated): TOPMed below 0.00001.

Submission:

Ambry Genetics
Classification: Uncertain significance. Last evaluated: 2025-05-04. Review status: criteria provided, single submitter. Criteria: Ambry Variant Classification Scheme 2023. Collection method: clinical testing. Allele origin: germline.
Comment: The p.T1266A variant (also known as c.3796A>G), located in coding exon 7 of the MLH3 gene, results from an A to G substitution at nucleotide position 3796. The threonine at codon 1266 is replaced by alanine, an amino acid with similar properties. This amino acid position is conserved. In addition, this alteration is predicted to be tolerated by in silico analysis. Since supporting evidence is limited at this time, the clinical significance of this alteration remains unclear.

NM_001040108.2(MLH3):c.3796A>G (p.Thr1266Ala)

Gene: MLH3 (mutL homolog 3; minus strand). Cytogenetic location: 14q24.3.
Variant type: single nucleotide variant.
Coding change: c.3796A>G on transcript NM_001040108.2 (MANE Select); coding-DNA position 3796, A replaced by G.
Protein change: p.Thr1266Ala; replaces threonine 1266 with alanine.
Molecular consequence: missense variant.
Genome position (GRCh38, 1-based): chr14:75,032,099, T>C on the plus strand (A>G on the coding strand, the complement: MLH3 is on the minus strand). VCF-style: chr14-75032099-T-C. GRCh37 (hg19) VCF-style: chr14-75498802-T-C.
Other names: c.3724A>G, p.Thr1242Ala (NM_014381.3); short protein forms T1266A, T1242A.
Identifiers: ClinVar variation 1734980 (VCV001734980.3), dbSNP rs1891086498, ClinGen allele CA390424814.
Genomic context (GRCh38, chr14:75,032,099, plus strand): 5'-CAACATCACATTCTCATGGTGGTACTGACCATAAGAGTCTCCTTTGTTCCTCTGTCACTG[T>C]TATCTCTAGCGGAGGAATTAGAGTAGAAGACAGTAATTTTTTCCGACCAGAGCCTTGTGC-3'
Protein context (NP_001035197.1, residues 1256-1276): SSTLIPPLEI[Thr1266Ala]VTEEQRRLLW